The following is an entry in ClinVar:

NM_024844.5(NUP85):c.1933C>T (p.Arg645Trp)

Gene: NUP85 (nucleoporin 85; plus strand). Cytogenetic location: 17q25.1.
Variant type: single nucleotide variant.
Coding change: c.1933C>T on transcript NM_024844.5 (MANE Select); coding-DNA position 1933, C replaced by T.
Protein change: p.Arg645Trp; replaces arginine 645 with tryptophan.
Molecular consequence: missense variant.
Genome position (GRCh38, 1-based): chr17:75,235,641, C>T. VCF-style: chr17-75235641-C-T. GRCh37 (hg19) VCF-style: chr17-73231736-C-T.
Other names: c.1795C>T, p.Arg599Trp (NM_001303276.2); c.1798C>T, p.Arg600Trp (NM_001330472.2); short protein forms R645W, R599W, R600W.
Identifiers: ClinVar variation 590316 (VCV000590316.4), dbSNP rs368572297, ClinGen allele CA8759119.
Genomic context (GRCh38, chr17:75,235,641, plus strand): 5'-GATGACATAGAGACCACCAAGGTGGAAATGCTGAGACTTTCTCTGGCACGAAATCTTGCT[C>T]GGGCAATTATAAGAGAAGGCTCACTGGAAGGTTCCTGAGAACTGCTTCAATGTGGTATCT-3'
Protein context (NP_079120.1, residues 635-655): LRLSLARNLA[Arg645Trp]AIIREGSLEG

ClinVar aggregate classification (germline): Likely pathogenic. Review status: criteria provided, multiple submitters, no conflicts (2 of 4 stars). 3 submissions from 3 submitters: Likely pathogenic (2). 1 of the submissions does not count toward it. Last evaluated 2019-01-10.

Conditions:
Nephrotic syndrome, type 17. Identifiers: MedGen C4748545, MONDO:0032580, OMIM 618176.

Allele frequency attached by ClinVar (database versions not stated): ExAC 0.00002; gnomAD exomes 0.00003; TOPMed 0.00006; gnomAD 0.00007; ESP Exome Variant Server 0.00008.
gnomAD v4.1: 57 of 1,613,904 alleles (0.0035%); highest among the groups gnomAD compares: Non-Finnish European, 0.0041%; no homozygotes.

Submissions (3):

SIB Swiss Institute of Bioinformatics
Classification: Likely pathogenic for Nephrotic syndrome, type 17. Last evaluated: 2019-01-10. Review status: criteria provided, single submitter. Criteria: ACMG Guidelines, 2015. Collection method: curation. Allele origin: unknown.
Comment: This variant is interpreted as a Likely pathogenic for Nephrotic syndrome 17, autosomal recessive. The following ACMG Tag(s) were applied: PM2 => Absent from controls (or at extremely low frequency if recessive) in Exome Sequencing Project, 1000 Genomes Project, or Exome Aggregation Consortium. PS3 => Well-established functional studies show a deleterious effect (PMID:30179222).

ClinGen:CA8759119

Juno Genomics, Hangzhou Juno Genomics, Inc
Classification: Likely pathogenic for Nephrotic syndrome, type 17. Review status: criteria provided, single submitter. Criteria: ACMG Guidelines, 2015. Collection method: clinical testing. Allele origin: germline.
Comment: Absent from controls (or at extremely low frequency if recessive) in Genome Aggregation Database.;For recessive disorders, detected in trans with a pathogenic variant.;Patient's phenotype or family history is highly specific for a disease with a single genetic etiology.;Well-established in vitro or in vivo functional studies supportive of a damaging effect on the gene or gene product.

OMIM
Classification: Pathogenic for NEPHROTIC SYNDROME, TYPE 17. Last evaluated: 2018-11-12. Review status: no assertion criteria provided. Collection method: literature only. Allele origin: germline. Not counted in ClinVar's aggregate classification.

Literature cited by the submitters: PubMed 30179222 (cited by SIB Swiss Institute of Bioinformatics and OMIM).